The following is an entry in ClinVar:

ClinVar aggregate classification (germline): Likely pathogenic (1 of 4 stars; one submission).

Submission:

GeneDx
Classification: Likely pathogenic. Last evaluated: 2018-02-07. Review status: criteria provided, single submitter. Criteria: GeneDx Variant Classification (06012015). Collection method: clinical testing. Allele origin: germline. Affected: yes.
Comment: The c.3090_3093delCAGC variant causes a frameshift starting with codon Serine 103, changes this amino acid to an Isoleucine residue, and creates a premature Stop codon at position 82 of the new reading frame, denoted p.Ser1031IlefsX82. This variant is predicted to cause loss of normal protein function either through protein truncation or nonsense-mediated mRNA decay. This variant is not observed in large population cohorts (Lek et al., 2016). Although the c.3090_3093delCAGC variant has not been reported previously to our knowledge, other frameshift variants in the MED13L gene have been reported in the Human Gene Mutation Database in association with MED13L-related disorders (Stenson et al., 2014).

NM_015335.5(MED13L):c.3090_3093del (p.Ser1031fs)

Gene: MED13L (mediator complex subunit 13L; minus strand). Cytogenetic location: 12q24.21.
Variant type: Microsatellite.
Coding change: c.3090_3093del on transcript NM_015335.5 (MANE Select); coding-DNA positions 3090 to 3093, 4 bases deleted (CAGC; older notation c.3090_3093delCAGC).
Protein change: p.Ser1031fs; shifts the reading frame from serine 1031.
Molecular consequence: frameshift variant.
Genome position (GRCh38, 1-based): chr12:115,991,861-115,991,864, GCTG deleted on the plus strand (CAGC on the coding strand, the reverse complement: MED13L is on the minus strand); deleting any 4 consecutive bases within chr12:115,991,861-115,991,869 gives the same sequence; the c. name uses the placement nearest the transcript's 3' end. VCF-style (leftmost placement, unchanged base first): chr12-115991860-TGCTG-T. GRCh37 (hg19) VCF-style: chr12-116429665-TGCTG-T.
Other names: c.3090_3093delCAGC (NM_015335.4); short protein forms S1031fs.
Identifiers: ClinVar variation 504317 (VCV000504317.2), dbSNP rs1555245254, ClinGen allele CA658797969.